The following is an entry in ClinVar:

NM_001130823.3(DNMT1):c.4293+17A>G

Gene: DNMT1 (DNA methyltransferase 1; minus strand). Cytogenetic location: 19p13.2.
Variant type: single nucleotide variant.
Coding change: c.4293+17A>G on transcript NM_001130823.3 (MANE Select); 17 bases into the intron after coding-DNA position 4293, A replaced by G.
Molecular consequence: intron variant.
Genome position (GRCh38, 1-based): chr19:10,137,815, T>C on the plus strand (A>G on the coding strand, the complement: DNMT1 is on the minus strand). VCF-style: chr19-10137815-T-C. GRCh37 (hg19) VCF-style: chr19-10248491-T-C.
Other names: c.4293+17A>G (LRG_362t1); c.3930+17A>G (NM_001318731.2); c.4245+17A>G (NM_001379.4, NM_001318730.2).
Identifiers: ClinVar variation 514129 (VCV000514129.5), dbSNP rs1416290728, ClinGen allele CA658799152.

ClinVar aggregate classification (germline): Likely benign. Review status: criteria provided, multiple submitters, no conflicts (2 of 4 stars). 2 submissions from 2 submitters: Likely benign (2). Last evaluated 2022-08-13.

Conditions:
Hereditary sensory neuropathy-deafness-dementia syndrome. Also called: NEUROPATHY, HEREDITARY SENSORY, WITH HEARING LOSS AND DEMENTIA; Hereditary Sensory and Autonomic Neuropathy Type 1E (HSAN1E); HSN IE; Hereditary sensory neuropathy type IE. Identifiers: Orphanet 456318, MedGen C3279885, MONDO:0013584, OMIM 614116.

Allele frequency attached by ClinVar (database versions not stated): gnomAD exomes 0.00001; TOPMed 0.00001.
gnomAD v4.1: 12 of 1,611,368 alleles (0.00074%); highest among the groups gnomAD compares: Non-Finnish European, 0.00093%; no homozygotes.

Submissions (2):

Labcorp Genetics (formerly Invitae), Labcorp
Classification: Likely benign for Hereditary sensory neuropathy-deafness-dementia syndrome. Last evaluated: 2022-08-13. Review status: criteria provided, single submitter. Criteria: Invitae Variant Classification Sherloc (09022015). Collection method: clinical testing. Allele origin: germline.

GeneDx
Classification: Likely benign. Last evaluated: 2017-12-19. Review status: criteria provided, single submitter. Criteria: GeneDx Variant Classification (06012015). Collection method: clinical testing. Allele origin: germline. Affected: yes.
Comment: This variant is considered likely benign or benign based on one or more of the following criteria: it is a conservative change, it occurs at a poorly conserved position in the protein, it is predicted to be benign by multiple in silico algorithms, and/or has population frequency not consistent with disease.